The following is an entry in ClinVar:

ClinVar aggregate classification (germline): Uncertain significance (1 of 4 stars; one submission).

Conditions:
Trichorhinophalangeal syndrome, type III (TRPS3). Also called: SUGIO-KAJII SYNDROME. Identifiers: Orphanet 77258, MedGen C1860823, OMIM 190351, MONDO:0008597.
Trichorhinophalangeal dysplasia type I (TRPS1). Also called: TRICHORHINOPHALANGEAL SYNDROME, TYPE I; TRPS I. Identifiers: Orphanet 77258, MedGen C0432233, MONDO:0008596, OMIM 190350.

Submission:

Labcorp Genetics (formerly Invitae), Labcorp
Classification: Uncertain significance for Trichorhinophalangeal syndrome, type III; Trichorhinophalangeal dysplasia type I. Last evaluated: 2025-10-17. Review status: criteria provided, single submitter. Criteria: Invitae Variant Classification Sherloc (09022015). Collection method: clinical testing. Allele origin: germline.
Comment: This sequence change replaces cysteine, which is neutral and slightly polar, with arginine, which is basic and polar, at codon 1233 of the TRPS1 protein (p.Cys1233Arg). This variant is not present in population databases (gnomAD no frequency). This missense change has been observed in individual(s) with trichorhinophalangeal syndrome (PMID: 24357341). Invitae Evidence Modeling of protein sequence and biophysical properties (such as structural, functional, and spatial information, amino acid conservation, physicochemical variation, residue mobility, and thermodynamic stability) indicates that this missense variant is expected to disrupt TRPS1 protein function with a positive predictive value of 80%. This variant disrupts the p.Cys1233 amino acid residue in TRPS1. Other variant(s) that disrupt this residue have been determined to be pathogenic (PMID: 31884116). This suggests that this residue is clinically significant, and that variants that disrupt this residue are likely to be disease-causing. In summary, the available evidence is currently insufficient to determine the role of this variant in disease. Therefore, it has been classified as a Variant of Uncertain Significance.

Literature cited by the submitters: PubMed 24357341; PubMed 31884116.

NM_014112.5(TRPS1):c.3697T>C (p.Cys1233Arg)

Gene: TRPS1 (transcriptional repressor GATA binding 1; minus strand). Cytogenetic location: 8q23.3.
Variant type: single nucleotide variant.
Coding change: c.3697T>C on transcript NM_014112.5 (MANE Select); coding-DNA position 3697, T replaced by C.
Protein change: p.Cys1233Arg; replaces cysteine 1233 with arginine.
Molecular consequence: missense variant.
Genome position (GRCh38, 1-based): chr8:115,414,211, A>G on the plus strand (T>C on the coding strand, the complement: TRPS1 is on the minus strand). VCF-style: chr8-115414211-A-G. GRCh37 (hg19) VCF-style: chr8-116426439-A-G.
Other names: c.3670T>C, p.Cys1224Arg (NM_001282902.3); c.3676T>C, p.Cys1226Arg (NM_001282903.3); c.3658T>C, p.Cys1220Arg (NM_001330599.2); short protein forms C1224R, C1233R, C1226R, C1220R.
Identifiers: ClinVar variation 4783679 (VCV004783679.1).
Genomic context (GRCh38, chr8:115,414,211, plus strand): 5'-TGTCACCATGGCAACTCATATGCAAAGCATACATCACTTCATCCAGAAAGACAATGCCAC[A>G]GTGCACACATTTTGTTGAAAGTTCATCTTGAGTACTTCTATCAACTTTCTCTGTTTTTAC-3'
Protein context (NP_054831.2, residues 1223-1243): QDELSTKCVH[Cys1233Arg]GIVFLDEVMY